The following is an entry in ClinVar:

ClinVar aggregate classification (germline): Pathogenic. Review status: criteria provided, multiple submitters, no conflicts (2 of 4 stars). 2 submissions from 2 submitters: Pathogenic (2). Last evaluated 2023-11-06.

Conditions:
Familial adenomatous polyposis 1 (FAP1). Also called: POLYPOSIS, ADENOMATOUS INTESTINAL; FAMILIAL ADENOMATOUS POLYPOSIS 1, ATTENUATED. Identifiers: MedGen C2713442, MONDO:0021056, OMIM 175100. Disease mechanism: loss of function.
Hereditary cancer-predisposing syndrome. Also called: Hereditary neoplastic syndrome; Hereditary Cancer Syndrome; Tumor predisposition; Neoplastic Syndromes, Hereditary. Identifiers: Orphanet 140162, MedGen C0027672, MeSH D009386, MONDO:0015356.

Submissions (2):

Labcorp Genetics (formerly Invitae), Labcorp
Classification: Pathogenic for Familial adenomatous polyposis 1. Last evaluated: 2023-11-06. Review status: criteria provided, single submitter. Criteria: Invitae Variant Classification Sherloc (09022015). Collection method: clinical testing. Allele origin: germline.
Comment: This sequence change creates a premature translational stop signal (p.Glu1257Argfs*19) in the APC gene. While this is not anticipated to result in nonsense mediated decay, it is expected to disrupt the last 1587 amino acid(s) of the APC protein. This variant is not present in population databases (gnomAD no frequency). This premature translational stop signal has been observed in individual(s) with familial adenomatous polyposis (PMID: 11247896, 21779980). ClinVar contains an entry for this variant (Variation ID: 2136315). This variant is expected to disrupt the EB1 and HDLG binding sites, which mediate interactions with the cytoskeleton (PMID: 15311282, 17293347). While functional studies have not been performed to directly test the effect on APC protein function, this suggests that disruption of the C-terminal portion of the protein is functionally important. A different truncation (p.Tyr2645Lysfs*14) that lies downstream of this variant has been determined to be pathogenic (PMID: 9824584, 1316610, 27081525, 8381579, 22135120, Invitae). This suggests that deletion of this region of the APC protein is causative of disease. For these reasons, this variant has been classified as Pathogenic.

Ambry Genetics
Classification: Pathogenic for Hereditary cancer-predisposing syndrome. Last evaluated: 2023-04-04. Review status: criteria provided, single submitter. Criteria: Ambry Variant Classification Scheme 2023. Collection method: clinical testing. Allele origin: germline.
Comment: The c.3768dupA pathogenic mutation, located in coding exon 15 of the APC gene, results from a duplication of A at nucleotide position 3768, causing a translational frameshift with a predicted alternate stop codon (p.E1257Rfs*19). This alteration occurs at the 3' terminus of the APC gene, is not expected to trigger nonsense-mediated mRNA decay, and impacts the last 1587 amino acids of the protein. However, premature stop codons are typically deleterious in nature and a significant portion of the protein is affected (Ambry internal data). In addition, this mutation was identified in a cohort of 680 German FAP families (Friedl W et al. Gut, 2001 Apr;48:515-21), in a cohort of adolescent patients with FAP who underwent laparoscopic prophylactic surgery (Vitellaro M et al. Pediatr Blood Cancer, 2020 Mar;67:e28110), and in a cohort of 57 unrelated adenomatous polyposis patients (Truta B et al. Fam Cancer, 2005;4:127-33). This variant is considered to be rare based on population cohorts in the Genome Aggregation Database (gnomAD). Based on the supporting evidence, this alteration is interpreted as a disease-causing mutation.

Literature cited by the submitters: PubMed 11247896 (cited by Labcorp Genetics (formerly Invitae), Labcorp and Ambry Genetics); PubMed 21779980 (cited by Labcorp Genetics (formerly Invitae), Labcorp); PubMed 15311282 (cited by Labcorp Genetics (formerly Invitae), Labcorp); PubMed 17293347 (cited by Labcorp Genetics (formerly Invitae), Labcorp); PubMed 9824584 (cited by Labcorp Genetics (formerly Invitae), Labcorp); PubMed 1316610 (cited by Labcorp Genetics (formerly Invitae), Labcorp); PubMed 27081525 (cited by Labcorp Genetics (formerly Invitae), Labcorp); PubMed 8381579 (cited by Labcorp Genetics (formerly Invitae), Labcorp); PubMed 22135120 (cited by Labcorp Genetics (formerly Invitae), Labcorp); PubMed 15951963 (cited by Ambry Genetics); PubMed 16134147 (cited by Ambry Genetics); PubMed 31802619 (cited by Ambry Genetics).

NM_000038.6(APC):c.3768dup (p.Glu1257fs)

Gene: APC (APC regulator of Wnt signaling pathway; plus strand). Cytogenetic location: 5q22.2.
Variant type: Duplication.
Coding change: c.3768dup on transcript NM_000038.6 (MANE Select); coding-DNA position 3768, one base duplicated (A; older notation c.3768dupA).
Protein change: p.Glu1257fs; shifts the reading frame from glutamic acid 1257.
Molecular consequence: frameshift variant.
Genome position (GRCh38, 1-based): chr5:112,839,362, A duplicated; the last of 2 consecutive A bases (chr5:112,839,361-112,839,362); duplicating either gives the same sequence. VCF-style (leftmost placement, unchanged base first): chr5-112839360-C-CA. GRCh37 (hg19) VCF-style: chr5-112175057-C-CA.
Other names: c.3768dup, p.Glu1257fs (NM_001127510.3, NM_001354895.2); c.3714dup, p.Glu1239fs (NM_001127511.3); c.3822dup, p.Glu1275fs (NM_001354896.2); c.3798dup, p.Glu1267fs (NM_001354897.2); c.3693dup, p.Glu1232fs (NM_001354898.2); c.3684dup, p.Glu1229fs (NM_001354899.2); c.3645dup, p.Glu1216fs (NM_001354900.2); c.3591dup, p.Glu1198fs (NM_001354901.2); and 17 more; short protein forms E1097fs, E1216fs, E1156fs, E1166fs, E1198fs, E1232fs, E1131fs, E1239fs.
Identifiers: ClinVar variation 2136315 (VCV002136315.6), dbSNP rs2533522872, ClinGen allele CA658760559.